The following is an entry in ClinVar:

ClinVar aggregate classification (germline): Uncertain significance (1 of 4 stars; one submission).

Submission:

Labcorp Genetics (formerly Invitae), Labcorp
Classification: Uncertain significance. Last evaluated: 2021-03-19. Review status: criteria provided, single submitter. Criteria: Invitae Variant Classification Sherloc (09022015). Collection method: clinical testing. Allele origin: germline.
Comment: This variant has not been reported in the literature in individuals with PAX1-related conditions. In summary, the available evidence is currently insufficient to determine the role of this variant in disease. Therefore, it has been classified as a Variant of Uncertain Significance. Algorithms developed to predict the effect of missense changes on protein structure and function (SIFT, PolyPhen-2, Align-GVGD) all suggest that this variant is likely to be tolerated, but these predictions have not been confirmed by published functional studies and their clinical significance is uncertain. The frequency data for this variant in the population databases is considered unreliable, as metrics indicate insufficient coverage at this position in the ExAC database. This sequence change replaces cysteine with serine at codon 73 of the PAX1 protein (p.Cys73Ser). The cysteine residue is weakly conserved and there is a moderate physicochemical difference between cysteine and serine.

NM_001257096.2(PAX1):c.218G>C (p.Cys73Ser)

Gene: PAX1 (paired box 1; plus strand). Cytogenetic location: 20p11.22.
Variant type: single nucleotide variant.
Coding change: c.218G>C on transcript NM_001257096.2 (MANE Select); coding-DNA position 218, G replaced by C.
Protein change: p.Cys73Ser; replaces cysteine 73 with serine.
Molecular consequence: missense variant.
Genome position (GRCh38, 1-based): chr20:21,705,930, G>C. VCF-style: chr20-21705930-G-C. GRCh37 (hg19) VCF-style: chr20-21686568-G-C.
Other names: c.218G>C, p.Cys73Ser (NM_006192.5); short protein forms C73S.
Identifiers: ClinVar variation 1462455 (VCV001462455.8), dbSNP rs2122131137, ClinGen allele CA408497093.